The following is an entry in ClinVar:

ClinVar aggregate classification (germline): Likely benign (1 of 4 stars; one submission).

Allele frequency attached by ClinVar (database versions not stated): TOPMed 0.00001; gnomAD exomes 0.00004 and 0.00007; ExAC 0.00008.
gnomAD v4.1: 60 of 1,612,888 alleles (0.0037%); highest among the groups gnomAD compares: South Asian, 0.061%; 1 homozygote.

Submission:

Laboratory for Molecular Medicine, Mass General Brigham Personalized Medicine
Classification: Likely benign. Last evaluated: 2017-01-13. Review status: criteria provided, single submitter. Criteria: LMM Criteria. Collection method: clinical testing. Allele origin: germline. Observed: 1 variant allele.
Comment: p.Asn1600Asn in exon 35 of MYH14: This variant is not expected to have clinical significance because it does not alter an amino acid residue and is not located within the splice consensus sequence. It has been identified in 8/13654 South As ian chromosomes by the Exome Aggregation Consortium (ExAC; dbSNP rs772671104).

NM_001145809.2(MYH14):c.4800T>C (p.Asn1600=)

Gene: MYH14 (myosin heavy chain 14; plus strand). Cytogenetic location: 19q13.33.
Variant type: single nucleotide variant.
Coding change: c.4800T>C on transcript NM_001145809.2 (MANE Select); coding-DNA position 4800, T replaced by C.
Protein change: p.Asn1600=; no amino-acid change (asparagine 1600 retained).
Molecular consequence: synonymous variant.
Genome position (GRCh38, 1-based): chr19:50,289,483, T>C. VCF-style: chr19-50289483-T-C. GRCh37 (hg19) VCF-style: chr19-50792740-T-C.
Other names: c.4701T>C, p.Asn1567= (NM_001077186.2); c.4677T>C, p.Asn1559= (NM_024729.4).
Identifiers: ClinVar variation 505487 (VCV000505487.4), dbSNP rs772671104, ClinGen allele CA9593616.